The following is an entry in ClinVar:

NM_197941.4(ADAMTS6):c.3071C>T (p.Thr1024Ile)

Gene: ADAMTS6 (ADAM metallopeptidase with thrombospondin type 1 motif 6; minus strand). Cytogenetic location: 5q12.3.
Variant type: single nucleotide variant.
Coding change: c.3071C>T on transcript NM_197941.4 (MANE Select); coding-DNA position 3071, C replaced by T.
Protein change: p.Thr1024Ile; replaces threonine 1024 with isoleucine.
Molecular consequence: missense variant. On other transcripts: non-coding transcript variant (1).
Genome position (GRCh38, 1-based): chr5:65,172,848, G>A on the plus strand (C>T on the coding strand, the complement: ADAMTS6 is on the minus strand). VCF-style: chr5-65172848-G-A. GRCh37 (hg19) VCF-style: chr5-64468675-G-A.
Other names: short protein forms T1024I.
Identifiers: ClinVar variation 3036803 (VCV003036803.2), dbSNP rs553801975, ClinGen allele CA3282387.

ClinVar aggregate classification (germline): Likely benign (0 of 4 stars; one submission).

Conditions:
ADAMTS6-related disorder. Also called: ADAMTS6-related condition.

Allele frequency attached by ClinVar (database versions not stated): gnomAD exomes 0.00006; TOPMed 0.00010; gnomAD 0.00011; ExAC 0.00024; 1000 Genomes Project 0.00060; 1000 Genomes Project 30x 0.00062.
gnomAD v4.1: 101 of 1,614,150 alleles (0.0063%); highest among the groups gnomAD compares: East Asian, 0.21%; no homozygotes.

Submission:

PreventionGenetics, part of Exact Sciences
Classification: Likely benign for ADAMTS6-related condition. Last evaluated: 2023-02-15. Review status: no assertion criteria provided. Collection method: clinical testing. Allele origin: germline.
Comment: This variant is classified as likely benign based on ACMG/AMP sequence variant interpretation guidelines (Richards et al. 2015 PMID: 25741868, with internal and published modifications).